The following is an entry in ClinVar:

NM_030665.4(RAI1):c.840_846del (p.Gln280fs)

Gene: RAI1 (retinoic acid induced 1; plus strand). Cytogenetic location: 17p11.2.
Variant type: Deletion.
Coding change: c.840_846del on transcript NM_030665.4 (MANE Select); coding-DNA positions 840 to 846, 7 bases deleted (GCAGCAG; older notation c.840_846delGCAGCAG).
Protein change: p.Gln280fs; shifts the reading frame from glutamine 280.
Molecular consequence: frameshift variant.
Genome position (GRCh38, 1-based): chr17:17,793,788-17,793,794, GCAGCAG deleted. VCF-style (leftmost placement, unchanged base first): chr17-17793787-AGCAGCAG-A. GRCh37 (hg19) VCF-style: chr17-17697101-AGCAGCAG-A.
Other names: short protein forms Q280fs.
Identifiers: ClinVar variation 4980193 (VCV004980193.1).

ClinVar aggregate classification (germline): Likely benign (1 of 4 stars; one submission).

Conditions:
RAI1-related disorder. Also called: RAI1-related condition.

Submission:

PreventionGenetics, part of Exact Sciences
Classification: Likely benign for RAI1-related condition. Last evaluated: 2025-01-30. Review status: criteria provided, single submitter. Criteria: ACMG Guidelines, 2015. Collection method: clinical testing. Allele origin: germline.
Comment: This variant is classified as likely benign based on ACMG/AMP sequence variant interpretation guidelines (Richards et al. 2015 PMID: 25741868, with internal and published modifications).